The following is an entry in ClinVar:

NM_020754.4(ARHGAP31):c.1597G>A (p.Gly533Arg)

Gene: ARHGAP31 (Rho GTPase activating protein 31; plus strand). Cytogenetic location: 3q13.33.
Variant type: single nucleotide variant.
Coding change: c.1597G>A on transcript NM_020754.4 (MANE Select); coding-DNA position 1597, G replaced by A.
Protein change: p.Gly533Arg; replaces glycine 533 with arginine.
Molecular consequence: missense variant.
Genome position (GRCh38, 1-based): chr3:119,402,349, G>A. VCF-style: chr3-119402349-G-A. GRCh37 (hg19) VCF-style: chr3-119121196-G-A.
Other names: short protein forms G533R.
Identifiers: ClinVar variation 789991 (VCV000789991.16), dbSNP rs75764457, ClinGen allele CA2553850.
Genomic context (GRCh38, chr3:119,402,349, plus strand): 5'-CCGAAGGAGCTGCAGTCTCTTTCCAGCCTGGAAGAGTTTTCTTTTCATGGATCAGAGAGC[G>A]GAGGCTGGCCAGAAGAAGAGAAACCGCTGGGAGCTGAGACTTCTGCAGGTAAGTAGAGGA-3'
Protein context (NP_065805.2, residues 523-543): EEFSFHGSES[Gly533Arg]GWPEEEKPLG

ClinVar aggregate classification (germline): Benign/Likely benign. Review status: criteria provided, multiple submitters, no conflicts (2 of 4 stars). 5 submissions from 5 submitters: Benign (2); Likely benign (3). Last evaluated 2026-07-01.

Conditions:
Adams-Oliver syndrome 1 (AOS1). Also called: APLASIA CUTIS CONGENITA WITH TERMINAL TRANSVERSE LIMB DEFECTS; ABSENCE DEFECT OF LIMBS, SCALP, AND SKULL; CONGENITAL SCALP DEFECTS WITH DISTAL LIMB REDUCTION ANOMALIES. Identifiers: Orphanet 974, MedGen C4551482, MONDO:0024506, OMIM 100300.

Allele frequency attached by ClinVar (database versions not stated): gnomAD exomes 0.00030 and 0.00073; ExAC 0.00095; ESP Exome Variant Server 0.00251; 1000 Genomes Project 0.00339; TOPMed 0.00357; gnomAD 0.00358 and 0.00387; 1000 Genomes Project 30x 0.00359.
gnomAD v4.1: 980 of 1,613,832 alleles (0.061%); highest among the groups gnomAD compares: African/African-American, 1.2%; 3 homozygotes.

Submissions (5):

CeGaT Center for Human Genetics Tuebingen
Classification: Likely benign. Last evaluated: 2026-07-01. Review status: criteria provided, single submitter. Criteria: CeGaT Center For Human Genetics Tuebingen Variant Classification Criteria Version 2. Collection method: clinical testing. Allele origin: germline. Affected: yes. Observed: 1 variant allele.
Comment: ARHGAP31: BS1

Labcorp Genetics (formerly Invitae), Labcorp
Classification: Benign. Last evaluated: 2025-12-16. Review status: criteria provided, single submitter. Criteria: Invitae Variant Classification Sherloc (09022015). Collection method: clinical testing. Allele origin: germline.

Blueprint Genetics
Classification: Likely benign. Last evaluated: 2024-09-04. Review status: criteria provided, single submitter. Criteria: ACMG Guidelines, 2015. Collection method: clinical testing. Allele origin: germline.

Genome-Nilou Lab
Classification: Benign for Adams-Oliver syndrome 1. Last evaluated: 2021-12-05. Review status: criteria provided, single submitter. Criteria: ACMG Guidelines, 2015. Collection method: clinical testing. Allele origin: germline. Affected: no.

GeneDx
Classification: Likely benign. Last evaluated: 2021-03-13. Review status: criteria provided, single submitter. Criteria: GeneDx Variant Classification Process June 2021. Collection method: clinical testing. Allele origin: germline. Affected: yes.